The following is an entry in ClinVar:

ClinVar aggregate classification (germline): Uncertain significance. Review status: criteria provided, multiple submitters, no conflicts (2 of 4 stars). 2 submissions from 2 submitters: Uncertain significance (2). Last evaluated 2023-12-21.

Conditions:
Inborn genetic diseases. Identifiers: MedGen C0950123, MeSH D030342.
Carnitine acylcarnitine translocase deficiency (CACTD). Identifiers: Orphanet 159, MedGen C0342791, MONDO:0008918, OMIM 212138.

gnomAD v4.1: 34 of 1,613,776 alleles (0.0021%); highest among the groups gnomAD compares: Non-Finnish European, 0.0029%; no homozygotes.

Submissions (2):

Ambry Genetics
Classification: Uncertain significance for Inborn genetic diseases. Last evaluated: 2023-12-21. Review status: criteria provided, single submitter. Criteria: Ambry Variant Classification Scheme 2023. Collection method: clinical testing. Allele origin: germline.

Labcorp Genetics (formerly Invitae), Labcorp
Classification: Uncertain significance for Carnitine acylcarnitine translocase deficiency. Last evaluated: 2021-09-01. Review status: criteria provided, single submitter. Criteria: Invitae Variant Classification Sherloc (09022015). Collection method: clinical testing. Allele origin: germline.
Comment: This sequence change replaces valine with leucine at codon 122 of the SLC25A20 protein (p.Val122Leu). The valine residue is highly conserved and there is a small physicochemical difference between valine and leucine. This variant is present in population databases (rs150419695, ExAC 0.003%). This variant has not been reported in the literature in individuals affected with SLC25A20-related conditions. Algorithms developed to predict the effect of missense changes on protein structure and function are either unavailable or do not agree on the potential impact of this missense change (SIFT: "Deleterious"; PolyPhen-2: "Benign"; Align-GVGD: "Class C0"). In summary, the available evidence is currently insufficient to determine the role of this variant in disease. Therefore, it has been classified as a Variant of Uncertain Significance.

NM_000387.6(SLC25A20):c.364G>C (p.Val122Leu)

Gene: SLC25A20 (solute carrier family 25 member 20; minus strand). Cytogenetic location: 3p21.31.
Variant type: single nucleotide variant.
Coding change: c.364G>C on transcript NM_000387.6 (MANE Select); coding-DNA position 364, G replaced by C.
Protein change: p.Val122Leu; replaces valine 122 with leucine.
Molecular consequence: missense variant.
Genome position (GRCh38, 1-based): chr3:48,879,411, C>G on the plus strand (G>C on the coding strand, the complement: SLC25A20 is on the minus strand). VCF-style: chr3-48879411-C-G. GRCh37 (hg19) VCF-style: chr3-48916844-C-G.
Other names: short protein forms V122L.
Identifiers: ClinVar variation 933674 (VCV000933674.4), dbSNP rs150419695, ClinGen allele CA2387411.